The following is an entry in ClinVar:

NM_032119.4(ADGRV1):c.13199T>C (p.Ile4400Thr)

Gene: ADGRV1 (adhesion G protein-coupled receptor V1; plus strand). Cytogenetic location: 5q14.3.
Variant type: single nucleotide variant.
Coding change: c.13199T>C on transcript NM_032119.4 (MANE Select); coding-DNA position 13199, T replaced by C.
Protein change: p.Ile4400Thr; replaces isoleucine 4400 with threonine.
Molecular consequence: missense variant. On other transcripts: non-coding transcript variant (1).
Genome position (GRCh38, 1-based): chr5:90,781,546, T>C. VCF-style: chr5-90781546-T-C. GRCh37 (hg19) VCF-style: chr5-90077363-T-C.
Other names: short protein forms I4400T.
Identifiers: ClinVar variation 957140 (VCV000957140.7), dbSNP rs766548873, ClinGen allele CA3341460.

ClinVar aggregate classification (germline): Uncertain significance. Review status: criteria provided, multiple submitters, no conflicts (2 of 4 stars). 2 submissions from 2 submitters: Uncertain significance (2). Last evaluated 2024-07-30.

Conditions:
Inborn genetic diseases. Identifiers: MedGen C0950123, MeSH D030342.

Allele frequency attached by ClinVar (database versions not stated): gnomAD exomes below 0.00001 and 0.00001; gnomAD 0.00001; TOPMed 0.00001; ExAC 0.00002.
gnomAD v4.1: 5 of 1,610,874 alleles (0.00031%); highest among the groups gnomAD compares: African/African-American, 0.0027%; no homozygotes.

Submissions (2):

Ambry Genetics
Classification: Uncertain significance for Inborn genetic diseases. Last evaluated: 2024-07-30. Review status: criteria provided, single submitter. Criteria: Ambry Variant Classification Scheme 2023. Collection method: clinical testing. Allele origin: germline.

Labcorp Genetics (formerly Invitae), Labcorp
Classification: Uncertain significance. Last evaluated: 2024-01-22. Review status: criteria provided, single submitter. Criteria: Invitae Variant Classification Sherloc (09022015). Collection method: clinical testing. Allele origin: germline.
Comment: This sequence change replaces isoleucine, which is neutral and non-polar, with threonine, which is neutral and polar, at codon 4400 of the ADGRV1 protein (p.Ile4400Thr). This variant is present in population databases (rs766548873, gnomAD 0.003%). This variant has not been reported in the literature in individuals affected with ADGRV1-related conditions. ClinVar contains an entry for this variant (Variation ID: 957140). Advanced modeling of protein sequence and biophysical properties (such as structural, functional, and spatial information, amino acid conservation, physicochemical variation, residue mobility, and thermodynamic stability) performed at Invitae indicates that this missense variant is not expected to disrupt ADGRV1 protein function with a negative predictive value of 80%. In summary, the available evidence is currently insufficient to determine the role of this variant in disease. Therefore, it has been classified as a Variant of Uncertain Significance.